The following is an entry in ClinVar:

NM_001164665.2(KIAA1549):c.4743C>T (p.Ser1581=)

Gene: KIAA1549 (KIAA1549; minus strand). Cytogenetic location: 7q34.
Variant type: single nucleotide variant.
Coding change: c.4743C>T on transcript NM_001164665.2 (MANE Select); coding-DNA position 4743, C replaced by T.
Protein change: p.Ser1581=; no amino-acid change (serine 1581 retained).
Molecular consequence: synonymous variant.
Genome position (GRCh38, 1-based): chr7:138,869,570, G>A on the plus strand (C>T on the coding strand, the complement: KIAA1549 is on the minus strand). VCF-style: chr7-138869570-G-A. GRCh37 (hg19) VCF-style: chr7-138554316-G-A.
Other names: c.4743C>T, p.Ser1581= (NM_020910.3).
Identifiers: ClinVar variation 758869 (VCV000758869.34), dbSNP rs372552870, ClinGen allele CA4505783.

ClinVar aggregate classification (germline): Benign/Likely benign. Review status: criteria provided, multiple submitters, no conflicts (2 of 4 stars). 3 submissions from 3 submitters: Benign (1); Likely benign (2). Last evaluated 2025-12-06.

Allele frequency attached by ClinVar (database versions not stated): 1000 Genomes Project 30x 0.00016; 1000 Genomes Project 0.00020; TOPMed 0.00042; gnomAD exomes 0.00049 and 0.00056; gnomAD 0.00054 and 0.00055; ESP Exome Variant Server 0.00073; ExAC 0.00154.
gnomAD v4.1: 871 of 1,587,212 alleles (0.055%); highest among the groups gnomAD compares: Non-Finnish European, 0.066%; 1 homozygote.

Submissions (3):

Labcorp Genetics (formerly Invitae), Labcorp
Classification: Benign. Last evaluated: 2025-12-06. Review status: criteria provided, single submitter. Criteria: Invitae Variant Classification Sherloc (09022015). Collection method: clinical testing. Allele origin: germline.

Blueprint Genetics
Classification: Likely benign. Last evaluated: 2024-11-01. Review status: criteria provided, single submitter. Criteria: ACMG Guidelines, 2015. Collection method: clinical testing. Allele origin: germline.

CeGaT Center for Human Genetics Tuebingen
Classification: Likely benign. Last evaluated: 2024-08-01. Review status: criteria provided, single submitter. Criteria: CeGaT Center For Human Genetics Tuebingen Variant Classification Criteria Version 2. Collection method: clinical testing. Allele origin: germline. Affected: yes. Observed: 2 variant alleles.
Comment: KIAA1549: BP4, BP7